The following is an entry in ClinVar:

NM_001042492.3(NF1):c.8084C>T (p.Pro2695Leu)

Gene: NF1 (neurofibromin 1; plus strand). Cytogenetic location: 17q11.2.
Variant type: single nucleotide variant.
Coding change: c.8084C>T on transcript NM_001042492.3 (MANE Select); coding-DNA position 8084, C replaced by T.
Protein change: p.Pro2695Leu; replaces proline 2695 with leucine.
Molecular consequence: missense variant.
Genome position (GRCh38, 1-based): chr17:31,358,593, C>T. VCF-style: chr17-31358593-C-T. GRCh37 (hg19) VCF-style: chr17-29685611-C-T.
Other names: c.8021C>T, p.Pro2674Leu (NM_000267.4); short protein forms P2674L, P2695L.
Identifiers: ClinVar variation 854100 (VCV000854100.12), dbSNP rs2070328290, ClinGen allele CA399203914.

ClinVar aggregate classification (germline): Uncertain significance. Review status: criteria provided, multiple submitters, no conflicts (2 of 4 stars). 3 submissions from 3 submitters: Uncertain significance (3). Last evaluated 2025-03-06.

Conditions:
Juvenile myelomonocytic leukemia (JMML). Also called: LEUKEMIA, JUVENILE MYELOMONOCYTIC, SOMATIC. Identifiers: Orphanet 86834, MedGen C0349639, MONDO:0011908, OMIM 607785, HP:0012209.
Cardiovascular phenotype. Identifiers: MedGen CN230736.
Hereditary cancer-predisposing syndrome. Also called: Neoplastic Syndromes, Hereditary; Hereditary Cancer Syndrome; Hereditary neoplastic syndrome; Tumor predisposition. Identifiers: Orphanet 140162, MedGen C0027672, MeSH D009386, MONDO:0015356.
Neurofibromatosis-Noonan syndrome (NFNS). Also called: NEUROFIBROMATOSIS WITH NOONAN PHENOTYPE. Identifiers: Orphanet 638, MedGen C2931482, MONDO:0011035, OMIM 601321. Disease mechanism: loss of function.
Café-au-lait macules with pulmonary stenosis (WTSN). Also called: PULMONIC STENOSIS WITH CAFE-AU-LAIT SPOTS. Identifiers: MedGen C0553586, MONDO:0008672, OMIM 193520.
Neurofibromatosis, type 1 (NF1). Also called: Neurofibromatosis, type I; VON RECKLINGHAUSEN DISEASE; Peripheral type neurofibromatosis; NEUROFIBROMATOSIS, TYPE I, SOMATIC. Identifiers: Orphanet 636, MedGen C0027831, MONDO:0018975, OMIM 162200. Disease mechanism: loss of function.

Submissions (3):

Ambry Genetics
Classification: Uncertain significance for Cardiovascular phenotype; Hereditary cancer-predisposing syndrome. Last evaluated: 2025-03-06. Review status: criteria provided, single submitter. Criteria: Ambry Variant Classification Scheme 2023. Collection method: clinical testing. Allele origin: germline.
Comment: The p.P2674L variant (also known as c.8021C>T), located in coding exon 54 of the NF1 gene, results from a C to T substitution at nucleotide position 8021. The proline at codon 2674 is replaced by leucine, an amino acid with similar properties. This amino acid position is highly conserved in available vertebrate species. In addition, the in silico prediction for this alteration is inconclusive. Since supporting evidence is limited at this time, the clinical significance of this alteration remains unclear.

Labcorp Genetics (formerly Invitae), Labcorp
Classification: Uncertain significance for Neurofibromatosis, type 1. Last evaluated: 2024-04-30. Review status: criteria provided, single submitter. Criteria: Invitae Variant Classification Sherloc (09022015). Collection method: clinical testing. Allele origin: germline.
Comment: This sequence change replaces proline, which is neutral and non-polar, with leucine, which is neutral and non-polar, at codon 2674 of the NF1 protein (p.Pro2674Leu). This variant is not present in population databases (gnomAD no frequency). This variant has not been reported in the literature in individuals affected with NF1-related conditions. ClinVar contains an entry for this variant (Variation ID: 854100). Advanced modeling of protein sequence and biophysical properties (such as structural, functional, and spatial information, amino acid conservation, physicochemical variation, residue mobility, and thermodynamic stability) performed at Invitae indicates that this missense variant is expected to disrupt NF1 protein function with a positive predictive value of 80%. In summary, the available evidence is currently insufficient to determine the role of this variant in disease. Therefore, it has been classified as a Variant of Uncertain Significance.

Baylor Genetics
Classification: Uncertain significance for Juvenile myelomonocytic leukemia. Last evaluated: 2023-10-03. Review status: criteria provided, single submitter. Criteria: ACMG Guidelines, 2015. Collection method: clinical testing. Allele origin: unknown.